The following is an entry in ClinVar:

ClinVar aggregate classification (germline): Uncertain significance (1 of 4 stars; one submission).

Conditions:
Jeune thoracic dystrophy. Also called: Short-rib thoracic dysplasia; Jeune syndrome; Infantile thoracic dystrophy; Thoracic pelvic phalangeal dystrophy; Jeune's syndrome; Chondroectodermal dysplasia-like syndrome. Identifiers: Orphanet 474, MedGen C0265275, MONDO:0018770.

Submission:

Labcorp Genetics (formerly Invitae), Labcorp
Classification: Uncertain significance for Jeune thoracic dystrophy. Last evaluated: 2022-04-20. Review status: criteria provided, single submitter. Criteria: Invitae Variant Classification Sherloc (09022015). Collection method: clinical testing. Allele origin: germline.
Comment: Algorithms developed to predict the effect of sequence changes on RNA splicing suggest that this variant may create or strengthen a splice site. In summary, the available evidence is currently insufficient to determine the role of this variant in disease. Therefore, it has been classified as a Variant of Uncertain Significance. This variant has not been reported in the literature in individuals affected with IFT80-related conditions. This variant is not present in population databases (gnomAD no frequency). This sequence change falls in intron 8 of the IFT80 gene. It does not directly change the encoded amino acid sequence of the IFT80 protein.

NM_020800.3(IFT80):c.777+19C>T

Genes: IFT80 (intraflagellar transport 80; minus strand), TRIM59-IFT80 (TRIM59-IFT80 readthrough (NMD candidate); minus strand). Cytogenetic location: 3q25.33.
Variant type: single nucleotide variant.
Coding change: c.777+19C>T on transcript NM_020800.3 (MANE Select); 19 bases into the intron after coding-DNA position 777, C replaced by T.
Molecular consequence: intron variant.
Genome position (GRCh38, 1-based): chr3:160,355,994, G>A on the plus strand (C>T on the coding strand, the complement: IFT80 is on the minus strand). VCF-style: chr3-160355994-G-A. GRCh37 (hg19) VCF-style: chr3-160073782-G-A.
Other names: c.366+19C>T (NM_001190241.2, NM_001190242.2).
Identifiers: ClinVar variation 2128405 (VCV002128405.4), dbSNP rs774729480, ClinGen allele CA2580069001.